The following is an entry in ClinVar:

NM_000057.4(BLM):c.1877A>G (p.Tyr626Cys)

Gene: BLM (BLM RecQ like helicase; plus strand). Cytogenetic location: 15q26.1.
Variant type: single nucleotide variant.
Coding change: c.1877A>G on transcript NM_000057.4 (MANE Select); coding-DNA position 1877, A replaced by G.
Protein change: p.Tyr626Cys; replaces tyrosine 626 with cysteine.
Molecular consequence: missense variant.
Genome position (GRCh38, 1-based): chr15:90,761,250, A>G. VCF-style: chr15-90761250-A-G. GRCh37 (hg19) VCF-style: chr15-91304480-A-G.
Other names: c.1877A>G, p.Tyr626Cys (NM_001287246.2, NM_001287247.2); c.752A>G, p.Tyr251Cys (NM_001287248.2); short protein forms Y626C, Y251C.
Identifiers: ClinVar variation 4211723 (VCV004211723.1).
Genomic context (GRCh38, chr15:90,761,250, plus strand): 5'-ACTGTCTTCCAGTGTCATCTACTGCTCAAAATATAAACTTCTCAGAGTCAATTCAGAATT[A>G]TACTGGTAAGTTTAAAATAAATTGAATGCTTATATGAAAACAAAACTGTCCCAAAATAGG-3'
Protein context (NP_000048.1, residues 616-636): NINFSESIQN[Tyr626Cys]TDKSAQNLAS

ClinVar aggregate classification (germline): Uncertain significance (1 of 4 stars; one submission).

Conditions:
Hereditary cancer-predisposing syndrome. Also called: Neoplastic Syndromes, Hereditary; Tumor predisposition; Hereditary Cancer Syndrome; Hereditary neoplastic syndrome. Identifiers: Orphanet 140162, MedGen C0027672, MeSH D009386, MONDO:0015356.

Submission:

Ambry Genetics
Classification: Uncertain significance for Hereditary cancer-predisposing syndrome. Last evaluated: 2025-07-11. Review status: criteria provided, single submitter. Criteria: Ambry Variant Classification Scheme 2023. Collection method: clinical testing. Allele origin: germline.
Comment: The p.Y626C variant (also known as c.1877A>G), located in coding exon 6 of the BLM gene, results from an A to G substitution at nucleotide position 1877. The tyrosine at codon 626 is replaced by cysteine, an amino acid with highly dissimilar properties. This amino acid position is conserved. In addition, this alteration is predicted to be tolerated by in silico analysis. Based on the available evidence, the clinical significance of this variant remains unclear.